The following is an entry in ClinVar:

ClinVar aggregate classification (germline): Uncertain significance (1 of 4 stars; one submission).

Submission:

Labcorp Genetics (formerly Invitae), Labcorp
Classification: Uncertain significance. Last evaluated: 2024-04-25. Review status: criteria provided, single submitter. Criteria: Invitae Variant Classification Sherloc (09022015). Collection method: clinical testing. Allele origin: germline.
Comment: This sequence change replaces methionine, which is neutral and non-polar, with threonine, which is neutral and polar, at codon 102 of the HPCA protein (p.Met102Thr). This variant is not present in population databases (gnomAD no frequency). This variant has not been reported in the literature in individuals affected with HPCA-related conditions. An algorithm developed to predict the effect of missense changes on protein structure and function (PolyPhen-2) suggests that this variant is likely to be tolerated. In summary, the available evidence is currently insufficient to determine the role of this variant in disease. Therefore, it has been classified as a Variant of Uncertain Significance.

NM_002143.3(HPCA):c.305T>C (p.Met102Thr)

Gene: HPCA (hippocalcin; plus strand). Cytogenetic location: 1p35.1.
Variant type: single nucleotide variant.
Coding change: c.305T>C on transcript NM_002143.3 (MANE Select); coding-DNA position 305, T replaced by C.
Protein change: p.Met102Thr; replaces methionine 102 with threonine.
Molecular consequence: missense variant.
Genome position (GRCh38, 1-based): chr1:32,889,203, T>C. VCF-style: chr1-32889203-T-C. GRCh37 (hg19) VCF-style: chr1-33354804-T-C.
Other names: short protein forms M102T.
Identifiers: ClinVar variation 3650010 (VCV003650010.2).